The following is an entry in ClinVar:

ClinVar aggregate classification (germline): Benign (1 of 4 stars; one submission).

Allele frequency attached by ClinVar (database versions not stated): gnomAD 0.07323 and 0.07663; 1000 Genomes Project 0.07348; TOPMed 0.07730.
gnomAD v4.1: 34,680 of 1,131,200 alleles (3.1%); highest among the groups gnomAD compares: African/African-American, 19%; 1,617 homozygotes.

Submission:

GeneDx
Classification: Benign. Last evaluated: 2018-06-15. Review status: criteria provided, single submitter. Criteria: GeneDx Variant Classification (06012015). Collection method: clinical testing. Allele origin: germline. Affected: yes.
Comment: This variant is considered likely benign or benign based on one or more of the following criteria: it is a conservative change, it occurs at a poorly conserved position in the protein, it is predicted to be benign by multiple in silico algorithms, and/or has population frequency not consistent with disease.

NM_017636.4(TRPM4):c.93-110T>C

Gene: TRPM4 (transient receptor potential cation channel subfamily M member 4; plus strand). Cytogenetic location: 19q13.33.
Variant type: single nucleotide variant.
Coding change: c.93-110T>C on transcript NM_017636.4 (MANE Select); 110 bases into the intron before coding-DNA position 93, T replaced by C.
Molecular consequence: intron variant.
Genome position (GRCh38, 1-based): chr19:49,165,931, T>C. VCF-style: chr19-49165931-T-C. GRCh37 (hg19) VCF-style: chr19-49669188-T-C.
Other names: c.93-110T>C (NM_001195227.2, NM_001321281.2); c.-1280-110T>C (NM_001321282.2); c.-74-2329T>C (NM_001321283.2); c.-237-2622T>C (NM_001321285.2).
Identifiers: ClinVar variation 675422 (VCV000675422.1), dbSNP rs7252493, ClinGen allele CA309429268.
Genomic context (GRCh38, chr19:49,165,931, plus strand): 5'-GTCTCTCCCCGAGGCCGTCAGAGCCAGGGCCAGGGGCAGCGTGGACTCTGCCTGCCTCTG[T>C]GGGTGTGGACTCAGTGTCGACAGCCCCCTCTACAGGAGCATGAACACGCTGACAGGGTGC-3'